The following is an entry in ClinVar:

NM_006734.4(HIVEP2):c.1487C>A (p.Thr496Asn)

Gene: HIVEP2 (HIVEP zinc finger 2; minus strand). Cytogenetic location: 6q24.2.
Variant type: single nucleotide variant.
Coding change: c.1487C>A on transcript NM_006734.4 (MANE Select); coding-DNA position 1487, C replaced by A.
Protein change: p.Thr496Asn; replaces threonine 496 with asparagine.
Molecular consequence: missense variant.
Genome position (GRCh38, 1-based): chr6:142,773,252, G>T on the plus strand (C>A on the coding strand, the complement: HIVEP2 is on the minus strand). VCF-style: chr6-142773252-G-T. GRCh37 (hg19) VCF-style: chr6-143094389-G-T.
Other names: short protein forms T496N.
Identifiers: ClinVar variation 3036711 (VCV003036711.2), dbSNP rs2482848213, ClinGen allele CA365913623.

ClinVar aggregate classification (germline): Uncertain significance (0 of 4 stars; one submission).

Conditions:
HIVEP2-related disorder. Also called: HIVEP2-related condition.

Submission:

PreventionGenetics, part of Exact Sciences
Classification: Uncertain significance for HIVEP2-related condition. Last evaluated: 2023-10-26. Review status: no assertion criteria provided. Collection method: clinical testing. Allele origin: germline.
Comment: The HIVEP2 c.1487C>A variant is predicted to result in the amino acid substitution p.Thr496Asn. To our knowledge, this variant has not been reported in the literature or in a large population database, indicating this variant is rare. At this time, the clinical significance of this variant is uncertain due to the absence of conclusive functional and genetic evidence.